The following is an entry in ClinVar:

ClinVar aggregate classification (germline): Uncertain significance. Review status: criteria provided, multiple submitters, no conflicts (2 of 4 stars). 2 submissions from 2 submitters: Uncertain significance (2). Last evaluated 2022-09-27.

Conditions:
Inborn genetic diseases. Identifiers: MedGen C0950123, MeSH D030342.

gnomAD v4.1: 25 of 1,613,954 alleles (0.0015%); highest among the groups gnomAD compares: African/African-American, 0.004%; no homozygotes.

Submissions (2):

Ambry Genetics
Classification: Uncertain significance for Inborn genetic diseases. Last evaluated: 2022-09-27. Review status: criteria provided, single submitter. Criteria: Ambry Variant Classification Scheme 2023. Collection method: clinical testing. Allele origin: germline.

Labcorp Genetics (formerly Invitae), Labcorp
Classification: Uncertain significance. Last evaluated: 2022-03-12. Review status: criteria provided, single submitter. Criteria: Invitae Variant Classification Sherloc (09022015). Collection method: clinical testing. Allele origin: germline.
Comment: This sequence change replaces valine, which is neutral and non-polar, with methionine, which is neutral and non-polar, at codon 157 of the LMX1B protein (p.Val157Met). In summary, the available evidence is currently insufficient to determine the role of this variant in disease. Therefore, it has been classified as a Variant of Uncertain Significance. Algorithms developed to predict the effect of missense changes on protein structure and function are either unavailable or do not agree on the potential impact of this missense change (SIFT: "Deleterious"; PolyPhen-2: "Probably Damaging"; Align-GVGD: "Class C0"). This variant has not been reported in the literature in individuals affected with LMX1B-related conditions. This variant is present in population databases (rs767072869, gnomAD 0.008%).

NM_001174147.2(LMX1B):c.469G>A (p.Val157Met)

Gene: LMX1B (LIM homeobox transcription factor 1 beta; plus strand). Cytogenetic location: 9q33.3.
Variant type: single nucleotide variant.
Coding change: c.469G>A on transcript NM_001174147.2 (MANE Select); coding-DNA position 469, G replaced by A.
Protein change: p.Val157Met; replaces valine 157 with methionine.
Molecular consequence: missense variant.
Genome position (GRCh38, 1-based): chr9:126,690,978, G>A. VCF-style: chr9-126690978-G-A. GRCh37 (hg19) VCF-style: chr9-129453257-G-A.
Other names: c.469G>A, p.Val157Met (NM_001174146.2, NM_002316.4); c.469G>A (NM_002316.3); short protein forms V157M.
Identifiers: ClinVar variation 1427424 (VCV001427424.9), dbSNP rs767072869, ClinGen allele CA5242320.